The following is an entry in ClinVar:

NM_000143.4(FH):c.797T>C (p.Met266Thr)

Gene: FH (fumarate hydratase; minus strand). Cytogenetic location: 1q43.
Variant type: single nucleotide variant.
Coding change: c.797T>C on transcript NM_000143.4 (MANE Select); coding-DNA position 797, T replaced by C.
Protein change: p.Met266Thr; replaces methionine 266 with threonine.
Molecular consequence: missense variant.
Genome position (GRCh38, 1-based): chr1:241,506,110, A>G on the plus strand (T>C on the coding strand, the complement: FH is on the minus strand). VCF-style: chr1-241506110-A-G. GRCh37 (hg19) VCF-style: chr1-241669410-A-G.
Other names: short protein forms M266T.
Identifiers: ClinVar variation 1510249 (VCV001510249.14), dbSNP rs764648497, ClinGen allele CA1478603.

ClinVar aggregate classification (germline): Conflicting classifications of pathogenicity. Review status: criteria provided, conflicting classifications (1 of 4 stars). 5 submissions from 5 submitters: Likely pathogenic (1); Uncertain significance (3); Likely benign (1). Last evaluated 2025-01-29.

Conditions:
Hereditary cancer-predisposing syndrome. Also called: Tumor predisposition; Neoplastic Syndromes, Hereditary; Hereditary Cancer Syndrome; Hereditary neoplastic syndrome. Identifiers: Orphanet 140162, MedGen C0027672, MeSH D009386, MONDO:0015356.
Ovarian cancer. Also called: OVARIAN CANCER, SOMATIC. Identifiers: Orphanet 213500, MedGen C1140680, MONDO:0008170, OMIM 167000.
Hereditary leiomyomatosis and renal cell cancer. Also called: FH tumor predisposition syndrome; MULTIPLE CUTANEOUS AND UTERINE LEIOMYOMATA 1, WITH OR WITHOUT RENAL CELL CARCINOMA; LEIOMYOMA, MULTIPLE CUTANEOUS; Reed syndrome; Multiple cutaneous and uterine leiomyomatosis; Cutaneous leiomyomata with uterine leiomyomata. Identifiers: Orphanet 523, MedGen C1708350, MONDO:0007888, OMIM 150800, HP:0007437. Disease mechanism: loss of function.
Fumarase deficiency (FMRD). Also called: Fumaric aciduria; Fumarate Hydratase Deficiency. Identifiers: Orphanet 24, MedGen C0342770, MONDO:0011730, OMIM 606812.

Allele frequency attached by ClinVar (database versions not stated): gnomAD 0.00001; gnomAD exomes 0.00001 and 0.00002; TOPMed 0.00001; ExAC 0.00002.
gnomAD v4.1: 5 of 1,613,874 alleles (0.00031%); highest among the groups gnomAD compares: East Asian, 0.0089%; no homozygotes.

Submissions (6):

Labcorp Genetics (formerly Invitae), Labcorp
Classification: Uncertain significance. Last evaluated: 2025-01-29. Review status: criteria provided, single submitter. Criteria: Invitae Variant Classification Sherloc (09022015). Collection method: clinical testing. Allele origin: germline.
Comment: This sequence change replaces methionine, which is neutral and non-polar, with threonine, which is neutral and polar, at codon 266 of the FH protein (p.Met266Thr). This variant is present in population databases (rs764648497, gnomAD 0.02%). This variant has not been reported in the literature in individuals affected with FH-related conditions. ClinVar contains an entry for this variant (Variation ID: 1510249). Invitae Evidence Modeling of protein sequence and biophysical properties (such as structural, functional, and spatial information, amino acid conservation, physicochemical variation, residue mobility, and thermodynamic stability) has been performed for this missense variant. However, the output from this modeling did not meet the statistical confidence thresholds required to predict the impact of this variant on FH protein function. In summary, the available evidence is currently insufficient to determine the role of this variant in disease. Therefore, it has been classified as a Variant of Uncertain Significance.

Ambry Genetics
Classification: Uncertain significance for Hereditary cancer-predisposing syndrome. Last evaluated: 2024-10-29. Review status: criteria provided, single submitter. Criteria: Ambry Variant Classification Scheme 2023. Collection method: clinical testing. Allele origin: germline.
Comment: The p.M266T variant (also known as c.797T>C), located in coding exon 6 of the FH gene, results from a T to C substitution at nucleotide position 797. The methionine at codon 266 is replaced by threonine, an amino acid with similar properties. This amino acid position is not well conserved in available vertebrate species. In addition, this alteration is predicted to be deleterious by in silico analysis. Based on the available evidence, the clinical significance of this variant remains unclear.

Myriad Genetics, Inc.
Classification: Likely benign for Hereditary leiomyomatosis and renal cell cancer. Last evaluated: 2024-08-29. Review status: criteria provided, single submitter. Criteria: Myriad Autosomal Dominant, Autosomal Recessive and X-Linked Classification Criteria (2023). Collection method: clinical testing. Allele origin: unknown.
Comment: This variant is considered likely benign. This variant has been observed at a population frequency that is significantly greater than expected given the associated disease prevalence and penetrance.

Baylor Genetics
Classification: Uncertain significance for Fumarase deficiency. Last evaluated: 2023-07-28. Review status: criteria provided, single submitter. Criteria: ACMG Guidelines, 2015. Collection method: clinical testing. Allele origin: unknown.

Laboratory of Molecular Epidemiology of Birth Defects, West China Second University Hospital, Sichuan University
Classification: Likely pathogenic for Ovarian cancer. Last evaluated: 2022-01-01. Review status: criteria provided, single submitter. Criteria: ACMG Guidelines, 2015. Collection method: clinical testing. Allele origin: germline. Affected: yes.

Blake Wilde Laboratory, Roswell Park Comprehensive Cancer Center
No classification provided (evidence only). Condition: Hereditary leiomyomatosis and renal cell cancer. Review status: no classification provided. Collection method: in vitro. Allele origin: not applicable. Functional consequence: decreased enzyme activity. Not counted in ClinVar's aggregate classification.